The following is an entry in ClinVar:

NM_005751.5(AKAP9):c.1372G>C (p.Ala458Pro)

Gene: AKAP9 (A-kinase anchoring protein 9; plus strand). Cytogenetic location: 7q21.2.
Variant type: single nucleotide variant.
Coding change: c.1372G>C on transcript NM_005751.5 (MANE Select); coding-DNA position 1372, G replaced by C.
Protein change: p.Ala458Pro; replaces alanine 458 with proline.
Molecular consequence: missense variant.
Genome position (GRCh38, 1-based): chr7:92,001,289, G>C. VCF-style: chr7-92001289-G-C. GRCh37 (hg19) VCF-style: chr7-91630603-G-C.
Other names: c.1372G>C, p.Ala458Pro (NM_147185.3); short protein forms A458P.
Identifiers: ClinVar variation 191551 (VCV000191551.23), dbSNP rs143894795, ClinGen allele CA199849.
Genomic context (GRCh38, chr7:92,001,289, plus strand): 5'-GATGAGATGTATGGGCAGCAGATAGTGCAAATGAAACAAGAATTAATAAGACAACACATG[G>C]CACAGATGGAGGAAATGAAAACACGGCATAAGGGAGAAATGGAGAATGCTTTAAGGTCAT-3'
Protein context (NP_005742.4, residues 448-468): MKQELIRQHM[Ala458Pro]QMEEMKTRHK

ClinVar aggregate classification (germline): Benign/Likely benign. Review status: criteria provided, multiple submitters, no conflicts (2 of 4 stars). 11 submissions from 11 submitters: Benign (5); Likely benign (4). 2 of the submissions do not count toward it. Last evaluated 2026-02-03.

Conditions:
Cardiovascular phenotype. Identifiers: MedGen CN230736.
Long QT syndrome (LQTS). Identifiers: MedGen C0023976, MeSH D008133, MONDO:0002442. Disease mechanism: loss of function. Inheritance: Various modes of inheritance.
Primary dilated cardiomyopathy (DCM). Also called: Dilated Cardiomyopathy. Identifiers: Orphanet 217604, MedGen C0007193, MeSH D002311, MONDO:0005021, HP:0001644. Inheritance: Various modes of inheritance.
Long QT syndrome 11 (LQT11). Identifiers: Orphanet 101016, Orphanet 768, MedGen C2678483, MONDO:0012738, OMIM 611820.

Allele frequency attached by ClinVar (database versions not stated): gnomAD exomes 0.00056; ExAC 0.00072; 1000 Genomes Project 0.00200; 1000 Genomes Project 30x 0.00219; gnomAD 0.00226 and 0.00241; TOPMed 0.00271; ESP Exome Variant Server 0.00338.
gnomAD v4.1: 705 of 1,613,920 alleles (0.044%); highest among the groups gnomAD compares: African/African-American, 0.83%; 4 homozygotes.

Submissions (11):

Labcorp Genetics (formerly Invitae), Labcorp
Classification: Benign for Long QT syndrome. Last evaluated: 2026-02-03. Review status: criteria provided, single submitter. Criteria: Invitae Variant Classification Sherloc (09022015). Collection method: clinical testing. Allele origin: germline.

Blueprint Genetics
Classification: Likely benign. Last evaluated: 2024-09-23. Review status: criteria provided, single submitter. Criteria: ACMG Guidelines, 2015. Collection method: clinical testing. Allele origin: germline.

Women's Health and Genetics/Laboratory Corporation of America, LabCorp
Classification: Likely benign. Last evaluated: 2022-06-06. Review status: criteria provided, single submitter. Criteria: LabCorp Variant Classification Summary - May 2015. Collection method: clinical testing. Allele origin: germline.

Genome-Nilou Lab
Classification: Benign for Long QT syndrome 11. Last evaluated: 2021-12-05. Review status: criteria provided, single submitter. Criteria: ACMG Guidelines, 2015. Collection method: clinical testing. Allele origin: germline. Affected: no.

Center for Advanced Laboratory Medicine, UC San Diego Health, University of California San Diego
Classification: Benign for Dilated cardiomyopathy. Last evaluated: 2018-02-07. Review status: criteria provided, single submitter. Criteria: ACMG Guidelines, 2015. Collection method: clinical testing. Allele origin: germline. Affected: yes. Observed: 1 variant allele.

Ambry Genetics
Classification: Benign for Cardiovascular phenotype. Last evaluated: 2016-09-23. Review status: criteria provided, single submitter. Criteria: Ambry Variant Classification Scheme 2023. Collection method: clinical testing. Allele origin: germline.

GeneDx
Classification: Likely benign. Last evaluated: 2015-03-03. Review status: criteria provided, single submitter. Criteria: GeneDx Variant Classification Process June 2021. Collection method: clinical testing. Allele origin: germline. Affected: yes.

Biesecker Lab/Clinical Genomics Section, National Institutes of Health
Classification: Benign. Last evaluated: 2013-06-24. Review status: criteria provided, single submitter. Criteria: Ng et al. (Circ Cardiovasc Genet. 2013). Collection method: research. Allele origin: unknown. Observed: 1 variant allele. Study: ClinSeq.
Comment: The study set was not selected for affection status in relation to any cancer. Pathogenicity categories were based on literature curation. See Pubmed ID:23861362 for details.

Medical sequencing

Breakthrough Genomics
Classification: Likely benign. Review status: criteria provided, single submitter. Criteria: ACMG Guidelines, 2015. Collection method: not provided. Allele origin: germline. Inheritance: Autosomal dominant inheritance. Affected: yes.

Clinical Genetics, Academic Medical Center
Classification: Benign. Review status: no assertion criteria provided. Collection method: clinical testing. Allele origin: germline. Affected: yes. Study: VKGL Data-share Consensus. Not counted in ClinVar's aggregate classification.

Genome Diagnostics Laboratory, University Medical Center Utrecht
Classification: Benign. Review status: no assertion criteria provided. Collection method: clinical testing. Allele origin: germline. Affected: yes. Study: VKGL Data-share Consensus. Not counted in ClinVar's aggregate classification.